The following is an entry in ClinVar:

NM_001243279.3(ACSF3):c.49G>A (p.Ala17Thr)

Gene: ACSF3 (acyl-CoA synthetase family member 3; plus strand). Cytogenetic location: 16q24.3.
Variant type: single nucleotide variant.
Coding change: c.49G>A on transcript NM_001243279.3 (MANE Select); coding-DNA position 49, G replaced by A.
Protein change: p.Ala17Thr; replaces alanine 17 with threonine.
Molecular consequence: missense variant. On other transcripts: non-coding transcript variant (3), intron variant (1).
Genome position (GRCh38, 1-based): chr16:89,100,730, G>A. VCF-style: chr16-89100730-G-A. GRCh37 (hg19) VCF-style: chr16-89167138-G-A.
Other names: c.49G>A, p.Ala17Thr (NM_001127214.4, NM_174917.5); c.-129-1874G>A (NM_001284316.2); short protein forms A17T.
Identifiers: ClinVar variation 1977983 (VCV001977983.5), dbSNP rs11547019, ClinGen allele CA397133326.

ClinVar aggregate classification (germline): Uncertain significance (1 of 4 stars; one submission).

Conditions:
Combined malonic and methylmalonic acidemia. Identifiers: Orphanet 289504, MedGen C3280314, MONDO:0013661, OMIM 614265.

gnomAD v4.1: 1 of 1,603,838 alleles (0.000062%); highest among the groups gnomAD compares: Admixed American, 0.0017%; no homozygotes.

Submission:

Labcorp Genetics (formerly Invitae), Labcorp
Classification: Uncertain significance for Combined malonic and methylmalonic acidemia. Last evaluated: 2025-10-06. Review status: criteria provided, single submitter. Criteria: Invitae Variant Classification Sherloc (09022015). Collection method: clinical testing. Allele origin: germline.
Comment: This sequence change replaces alanine, which is neutral and non-polar, with threonine, which is neutral and polar, at codon 17 of the ACSF3 protein (p.Ala17Thr). This variant is not present in population databases (gnomAD no frequency). This variant has not been reported in the literature in individuals affected with ACSF3-related conditions. ClinVar contains an entry for this variant (Variation ID: 1977983). Invitae Evidence Modeling of protein sequence and biophysical properties (such as structural, functional, and spatial information, amino acid conservation, physicochemical variation, residue mobility, and thermodynamic stability) indicates that this missense variant is not expected to disrupt ACSF3 protein function with a negative predictive value of 95%. In summary, the available evidence is currently insufficient to determine the role of this variant in disease. Therefore, it has been classified as a Variant of Uncertain Significance.